The following is an entry in ClinVar:

ClinVar aggregate classification (germline): Likely benign. Review status: criteria provided, single submitter (1 of 4 stars). 2 submissions from 2 submitters: Likely benign (1). 1 of the submissions does not count toward it. Last evaluated 2026-07-01.

Conditions:
SMARCC1-related disorder. Also called: SMARCC1-related condition.

Allele frequency attached by ClinVar (database versions not stated): ESP Exome Variant Server 0.00008; gnomAD 0.00031; TOPMed 0.00040; ExAC 0.00088; 1000 Genomes Project 0.00120; 1000 Genomes Project 30x 0.00156.
gnomAD v4.1: 379 of 1,558,546 alleles (0.024%); highest among the groups gnomAD compares: East Asian, 0.46%; 4 homozygotes.

Submissions (2):

CeGaT Center for Human Genetics Tuebingen
Classification: Likely benign. Last evaluated: 2026-07-01. Review status: criteria provided, single submitter. Criteria: CeGaT Center For Human Genetics Tuebingen Variant Classification Criteria Version 2. Collection method: clinical testing. Allele origin: germline. Affected: yes. Observed: 1 variant allele.
Comment: SMARCC1: BP4, BP7

PreventionGenetics, part of Exact Sciences
Classification: Likely benign for SMARCC1-related condition. Last evaluated: 2019-02-26. Review status: no assertion criteria provided. Collection method: clinical testing. Allele origin: germline. Not counted in ClinVar's aggregate classification.
Comment: This variant is classified as likely benign based on ACMG/AMP sequence variant interpretation guidelines (Richards et al. 2015 PMID: 25741868, with internal and published modifications).

NM_003074.4(SMARCC1):c.135C>T (p.Ser45=)

Gene: SMARCC1 (SWI/SNF related BAF chromatin remodeling complex subunit C1; minus strand). Cytogenetic location: 3p21.31.
Variant type: single nucleotide variant.
Coding change: c.135C>T on transcript NM_003074.4 (MANE Select); coding-DNA position 135, C replaced by T.
Protein change: p.Ser45=; no amino-acid change (serine 45 retained).
Molecular consequence: synonymous variant.
Genome position (GRCh38, 1-based): chr3:47,781,663, G>A on the plus strand (C>T on the coding strand, the complement: SMARCC1 is on the minus strand). VCF-style: chr3-47781663-G-A. GRCh37 (hg19) VCF-style: chr3-47823153-G-A.
Identifiers: ClinVar variation 3041060 (VCV003041060.3), dbSNP rs146832470, ClinGen allele CA2369537.